The following is an entry in ClinVar:

ClinVar aggregate classification (germline): Uncertain significance (1 of 4 stars; one submission).

Submission:

GeneDx
Classification: Uncertain significance. Last evaluated: 2019-09-17. Review status: criteria provided, single submitter. Criteria: GeneDx Variant Classification Process June 2021. Collection method: clinical testing. Allele origin: germline. Affected: yes.
Comment: Not observed in large population cohorts (Lek et al., 2016); In silico analysis, which includes splice predictors and evolutionary conservation, supports a deleterious effect; Has not been previously published as pathogenic or benign to our knowledge

NM_015100.4(POGZ):c.2061+1_2061+2dup

Gene: POGZ (pogo transposable element derived with ZNF domain; minus strand). Cytogenetic location: 1q21.3.
Variant type: Duplication.
Coding change: c.2061+1_2061+2dup on transcript NM_015100.4 (MANE Select); the canonical splice donor site of the intron after coding-DNA position 2061, 2 bases duplicated (GT; older notation c.2061+1_2061+2dupGT).
Molecular consequence: splice donor variant.
Genome position (GRCh38, 1-based): chr1:151,408,692-151,408,693, AC duplicated on the plus strand (GT on the coding strand, the reverse complement: POGZ is on the minus strand). VCF-style (leftmost placement, unchanged base first): chr1-151408691-T-TAC. GRCh37 (hg19) VCF-style: chr1-151381167-T-TAC.
Other names: c.1875+1_1875+2dup (NM_001194938.2); c.1776+1_1776+2dup (NM_145796.4); c.2034+1_2034+2dup (NM_001194937.2); c.1902+1_1902+2dup (NM_207171.2).
Identifiers: ClinVar variation 1312284 (VCV001312284.2), dbSNP rs2102168529, ClinGen allele CA2573051363.
Genomic context (GRCh38, chr1:151,408,691, plus strand): 5'-GAATACTGAAAATCTCTATTCCTCCCTCCCTGGGCCTATAAAAGACACTGGCAAACTCTT[T>TAC]ACCTTGGTGCCTGGTTTCAAGCCCTCCAGCTGCTTGGGTTTACGGAAGGTTTTATGGTGT-3'